The following is an entry in ClinVar:

NM_001100.4(ACTA1):c.616+4C>G

Gene: ACTA1 (actin alpha 1, skeletal muscle; minus strand). Cytogenetic location: 1q42.13.
Variant type: single nucleotide variant.
Coding change: c.616+4C>G on transcript NM_001100.4 (MANE Select); 4 bases into the intron after coding-DNA position 616, C replaced by G.
Molecular consequence: intron variant.
Genome position (GRCh38, 1-based): chr1:229,432,266, G>C on the plus strand (C>G on the coding strand, the complement: ACTA1 is on the minus strand). VCF-style: chr1-229432266-G-C. GRCh37 (hg19) VCF-style: chr1-229568013-G-C.
Identifiers: ClinVar variation 1041733 (VCV001041733.10), dbSNP rs371799971, ClinGen allele CA1442838.

ClinVar aggregate classification (germline): Conflicting classifications of pathogenicity. Review status: criteria provided, conflicting classifications (1 of 4 stars). 2 submissions from 2 submitters: Uncertain significance (1); Likely benign (1). Last evaluated 2025-05-05.

Conditions:
Actin accumulation myopathy (CMYO2A). Also called: Nemaline myopathy type 3; Myopathy, actin, congenital, with excess of thin myofilaments; Myopathy, actin, congenital, with cores; Nemaline myopathy 3, with intranuclear rods; CONGENITAL MYOPATHY 2A, TYPICAL, AUTOSOMAL DOMINANT. Identifiers: Orphanet 98904, MedGen C3711389, MONDO:0008070, OMIM 161800.

Allele frequency attached by ClinVar (database versions not stated): ESP Exome Variant Server 0.00015; 1000 Genomes Project 30x 0.00016; 1000 Genomes Project 0.00020; TOPMed 0.00022.
gnomAD v4.1: 66 of 1,613,628 alleles (0.0041%); highest among the groups gnomAD compares: African/African-American, 0.081%; no homozygotes.

Submissions (2):

Labcorp Genetics (formerly Invitae), Labcorp
Classification: Uncertain significance for Actin accumulation myopathy. Last evaluated: 2025-05-05. Review status: criteria provided, single submitter. Criteria: Invitae Variant Classification Sherloc (09022015). Collection method: clinical testing. Allele origin: germline.
Comment: This sequence change falls in intron 4 of the ACTA1 gene. It does not directly change the encoded amino acid sequence of the ACTA1 protein. It affects a nucleotide within the consensus splice site. This variant is present in population databases (rs371799971, gnomAD 0.1%). This variant has not been reported in the literature in individuals affected with ACTA1-related conditions. ClinVar contains an entry for this variant (Variation ID: 1041733). Variants that disrupt the consensus splice site are a relatively common cause of aberrant splicing (PMID: 17576681, 9536098). Algorithms developed to predict the effect of sequence changes on RNA splicing suggest that this variant is not likely to affect RNA splicing. In summary, the available evidence is currently insufficient to determine the role of this variant in disease. Therefore, it has been classified as a Variant of Uncertain Significance.

GeneDx
Classification: Likely benign. Last evaluated: 2019-06-19. Review status: criteria provided, single submitter. Criteria: GeneDx Variant Classification Process June 2021. Collection method: clinical testing. Allele origin: germline. Affected: yes.

Literature cited by the submitters: PubMed 17576681 (cited by Labcorp Genetics (formerly Invitae), Labcorp); PubMed 9536098 (cited by Labcorp Genetics (formerly Invitae), Labcorp).